The following is an entry in ClinVar:

NM_001355457.3(ZC3H11B):c.2130T>C (p.Ser710=)

Gene: ZC3H11B (zinc finger CCCH-type containing 11B; minus strand). Cytogenetic location: 1q41.
Variant type: single nucleotide variant.
Coding change: c.2130T>C on transcript NM_001355457.3 (MANE Select); coding-DNA position 2130, T replaced by C.
Protein change: p.Ser710=; no amino-acid change (serine 710 retained).
Molecular consequence: synonymous variant.
Genome position (GRCh38, 1-based): chr1:219,609,933, A>G on the plus strand (T>C on the coding strand, the complement: ZC3H11B is on the minus strand). VCF-style: chr1-219609933-A-G. GRCh37 (hg19) VCF-style: chr1-219783275-A-G.
Identifiers: ClinVar variation 2639904 (VCV002639904.24), dbSNP rs1426236391, ClinGen allele CA423194837.

ClinVar aggregate classification (germline): Likely benign (1 of 4 stars; one submission).

Allele frequency attached by ClinVar (database versions not stated): gnomAD exomes 0.00001; gnomAD 0.00003.

Submission:

CeGaT Center for Human Genetics Tuebingen
Classification: Likely benign. Last evaluated: 2023-02-01. Review status: criteria provided, single submitter. Criteria: CeGaT Center For Human Genetics Tuebingen Variant Classification Criteria Version 2. Collection method: clinical testing. Allele origin: germline. Affected: yes. Observed: 1 variant allele.
Comment: ZC3H11B: BP4, BP7